The following is an entry in ClinVar:

NM_006012.4(CLPP):c.28G>T (p.Ala10Ser)

Gene: CLPP (caseinolytic mitochondrial matrix peptidase proteolytic subunit; plus strand). Cytogenetic location: 19p13.3.
Variant type: single nucleotide variant.
Coding change: c.28G>T on transcript NM_006012.4 (MANE Select); coding-DNA position 28, G replaced by T.
Protein change: p.Ala10Ser; replaces alanine 10 with serine.
Molecular consequence: missense variant.
Genome position (GRCh38, 1-based): chr19:6,361,602, G>T. VCF-style: chr19-6361602-G-T. GRCh37 (hg19) VCF-style: chr19-6361613-G-T.
Other names: short protein forms A10S.
Identifiers: ClinVar variation 1301278 (VCV001301278.7), dbSNP rs756769887, ClinGen allele CA9122772.

ClinVar aggregate classification (germline): Uncertain significance. Review status: criteria provided, multiple submitters, no conflicts (2 of 4 stars). 3 submissions from 3 submitters: Uncertain significance (3). Last evaluated 2025-08-19.

Conditions:
Inborn genetic diseases. Identifiers: MedGen C0950123, MeSH D030342.

Allele frequency attached by ClinVar (database versions not stated): ExAC 0.00037.

Submissions (3):

Ambry Genetics
Classification: Uncertain significance for Inborn genetic diseases. Last evaluated: 2025-08-19. Review status: criteria provided, single submitter. Criteria: Ambry Variant Classification Scheme 2023. Collection method: clinical testing. Allele origin: germline.

GeneDx
Classification: Uncertain significance. Last evaluated: 2025-05-06. Review status: criteria provided, single submitter. Criteria: GeneDx Variant Classification Process June 2021. Collection method: clinical testing. Allele origin: germline. Affected: yes.
Comment: In silico analysis suggests that this missense variant does not alter protein structure/function; Has not been previously published as pathogenic or benign to our knowledge

Labcorp Genetics (formerly Invitae), Labcorp
Classification: Uncertain significance. Last evaluated: 2023-10-13. Review status: criteria provided, single submitter. Criteria: Invitae Variant Classification Sherloc (09022015). Collection method: clinical testing. Allele origin: germline.
Comment: This sequence change replaces alanine, which is neutral and non-polar, with serine, which is neutral and polar, at codon 10 of the CLPP protein (p.Ala10Ser). The frequency data for this variant in the population databases is considered unreliable, as metrics indicate poor data quality at this position in the gnomAD database. This variant has not been reported in the literature in individuals affected with CLPP-related conditions. ClinVar contains an entry for this variant (Variation ID: 1301278). An algorithm developed to predict the effect of missense changes on protein structure and function (PolyPhen-2) suggests that this variant¬†is likely to be tolerated. In summary, the available evidence is currently insufficient to determine the role of this variant in disease. Therefore, it has been classified as a Variant of Uncertain Significance.